The following is an entry in ClinVar:

ClinVar aggregate classification (germline): Conflicting classifications of pathogenicity. Review status: criteria provided, conflicting classifications (1 of 4 stars). 7 submissions from 7 submitters: Uncertain significance (6); Benign (1). Last evaluated 2026-01-01.

Conditions:
Hereditary cancer-predisposing syndrome. Also called: Hereditary Cancer Syndrome; Neoplastic Syndromes, Hereditary; Hereditary neoplastic syndrome; Tumor predisposition. Identifiers: Orphanet 140162, MedGen C0027672, MeSH D009386, MONDO:0015356.
Hereditary nonpolyposis colorectal neoplasms. Identifiers: MedGen C0009405, MeSH D003123.
Lynch syndrome 4 (LYNCH4). Also called: Colorectal cancer, hereditary nonpolyposis, type 4; Hereditary non-polyposis colorectal cancer, type 4. Identifiers: Orphanet 144, MedGen C1838333, MONDO:0013699, OMIM 614337. Disease mechanism: loss of function.

Allele frequency attached by ClinVar (database versions not stated): TOPMed below 0.00001; gnomAD 0.00001; gnomAD exomes 0.00001; ExAC 0.00002.
gnomAD v4.1: 16 of 1,568,066 alleles (0.001%); highest among the groups gnomAD compares: Non-Finnish European, 0.0014%; no homozygotes.

Submissions (7):

Labcorp Genetics (formerly Invitae), Labcorp
Classification: Benign for Hereditary nonpolyposis colorectal neoplasms. Last evaluated: 2026-01-01. Review status: criteria provided, single submitter. Criteria: Invitae Variant Classification Sherloc (09022015). Collection method: clinical testing. Allele origin: germline.

Ambry Genetics
Classification: Uncertain significance for Hereditary cancer-predisposing syndrome. Last evaluated: 2025-06-05. Review status: criteria provided, single submitter. Criteria: Ambry Variant Classification Scheme 2023. Collection method: clinical testing. Allele origin: germline.
Comment: The p.I678T variant (also known as c.2033T>C), located in coding exon 12 of the PMS2 gene, results from a T to C substitution at nucleotide position 2033. The isoleucine at codon 678 is replaced by threonine, an amino acid with similar properties. This amino acid position is well conserved in available vertebrate species. In addition, this alteration is predicted to be deleterious by in silico analysis. Based on the available evidence, the clinical significance of this variant remains unclear.

Color Diagnostics, LLC DBA Color Health
Classification: Uncertain significance for Hereditary cancer-predisposing syndrome. Last evaluated: 2025-05-28. Review status: criteria provided, single submitter. Criteria: ACMG Guidelines, 2015. Collection method: clinical testing. Allele origin: germline.
Comment: This missense variant replaces isoleucine with threonine at codon 678 of the PMS2 protein. Computational prediction suggests that this variant may have deleterious impact on protein structure and function. To our knowledge, functional studies have not been reported for this variant. This variant has been reported in an individual affected with pancreatic cancer in the literature (PMID: 37534630). This variant has been identified in 2/196332 chromosomes in the general population by the Genome Aggregation Database (gnomAD). The available evidence is insufficient to determine the role of this variant in disease conclusively. Therefore, this variant is classified as a Variant of Uncertain Significance.

Spanish MMR Variant Interpretation Working Group
Classification: Uncertain significance for Hereditary cancer-predisposing syndrome. Last evaluated: 2025-05-05. Review status: criteria provided, single submitter. Criteria: ClinGen CRC ACMG Specifications PMS2 V1.0.0. Collection method: clinical testing. Allele origin: germline. Affected: yes.
Comment: The PMS2 variant c.2033T>C replaces isoleucine with threonine at codon 678 of the PMS2 protein, p.(Ile678Thr). The isoleucine residue is highly conserved, and there is a moderate physicochemical difference between isoleucine and threonine. The variant is extremely rare (<1/50,000) in the gnomAD v4.1.0 database (PM2_P; the allele frequency data may be inaccurate due to possible PMS2CL pseudogene interference). The SpliceAI algorithm predicts no significant impact on splicing. It is a missense variant with a MAPP+PolyPhen-2 prior probability of pathogenicity within the range of 0.11-0.68 (no criterion is met). There are no other described class 4/5 variants located at the same residue. No functional assays have been reported for this variant. Based on the available evidence, this variant is classified as a Variant of Uncertain Significance (Class 3).

Baylor Genetics
Classification: Uncertain significance for Lynch syndrome 4. Last evaluated: 2024-01-22. Review status: criteria provided, single submitter. Criteria: ACMG Guidelines, 2015. Collection method: clinical testing. Allele origin: unknown.

Women's Health and Genetics/Laboratory Corporation of America, LabCorp
Classification: Uncertain significance. Last evaluated: 2019-07-15. Review status: criteria provided, single submitter. Criteria: LabCorp Variant Classification Summary - May 2015. Collection method: clinical testing. Allele origin: germline.
Comment: Variant summary: PMS2 c.2033T>C (p.Ile678Thr) results in a non-conservative amino acid change located in the MutL, C-terminal, dimerisation domain of the encoded protein sequence. Five of five in-silico tools predict a damaging effect of the variant on protein function. The variant allele was found at a frequency of 1e-05 in 196332 control chromosomes, however the technology utilized for this dataset does not rule out pseudogene interference and thus cannot be relied upon to make any conclusions about variant significance for this gene. To our knowledge, no occurrence of c.2033T>C in individuals affected with Lynch Syndrome and no experimental evidence demonstrating its impact on protein function have been reported. Three clinical diagnostic laboratories have submitted clinical-significance assessments for this variant to ClinVar after 2014 without evidence for independent evaluation. All laboratories classified the variant as uncertain significance. Based on the evidence outlined above, the variant was classified as uncertain significance.

GeneDx
Classification: Uncertain significance. Last evaluated: 2017-03-20. Review status: criteria provided, single submitter. Criteria: GeneDx Variant Classification (06012015). Collection method: clinical testing. Allele origin: germline. Affected: yes.
Comment: This variant is denoted PMS2 c.2033T>C at the cDNA level, p.Ile678Thr (I678T) at the protein level, and results in the change of an Isoleucine to a Threonine (ATC>ACC). This variant has not, to our knowledge, been published in the literature as being pathogenic or benign. PMS2 Ile678Thr was not observed in approximately 6,500 individuals of European and African American ancestry in the NHLBI Exome Sequencing Project, indicating it is not a common benign variant in these populations. Since Isoleucine and Threonine differ in polarity, charge, size or other properties, this is considered a non-conservative amino acid substitution. PMS2 Ile678Thr occurs at a position where amino acids with properties similar to Isoleucine are tolerated across species and is located in the nuclease domain (Fukui 2011). In silico analyses are inconsistent regarding the effect this variant may have on protein structure and function. Based on currently available evidence, it is unclear whether PMS2 Ile678Thr is pathogenic or benign. We consider it to be a variant of uncertain significance.

Literature cited by the submitters: PubMed 37534630 (cited by Color Diagnostics, LLC DBA Color Health).

NM_000535.7(PMS2):c.2033T>C (p.Ile678Thr)

Gene: PMS2 (PMS1 homolog 2, mismatch repair system component; minus strand). Cytogenetic location: 7p22.1.
Variant type: single nucleotide variant.
Coding change: c.2033T>C on transcript NM_000535.7 (MANE Select); coding-DNA position 2033, T replaced by C.
Protein change: p.Ile678Thr; replaces isoleucine 678 with threonine.
Molecular consequence: missense variant. On other transcripts: non-coding transcript variant (1).
Genome position (GRCh38, 1-based): chr7:5,982,965, A>G on the plus strand (T>C on the coding strand, the complement: PMS2 is on the minus strand). VCF-style: chr7-5982965-A-G. GRCh37 (hg19) VCF-style: chr7-6022596-A-G.
Other names: c.1628T>C, p.Ile543Thr (NM_001322003.2, NM_001322004.2, NM_001322005.2 and 1 more transcripts); c.1877T>C, p.Ile626Thr (NM_001322006.2); c.1715T>C, p.Ile572Thr (NM_001322007.2, NM_001322008.2); c.1472T>C, p.Ile491Thr (NM_001322010.2); c.1100T>C, p.Ile367Thr (NM_001322011.2, NM_001322012.2); c.1460T>C, p.Ile487Thr (NM_001322013.2); c.2033T>C, p.Ile678Thr (NM_001322014.2); c.1724T>C, p.Ile575Thr (NM_001322015.2); short protein forms I678T, I367T, I572T, I491T, I626T, I543T, I575T, I487T.
Identifiers: ClinVar variation 142569 (VCV000142569.23), dbSNP rs587782553, ClinGen allele CA010730.